The following is an entry in ClinVar:

NM_000719.7(CACNA1C):c.5444+669G>A

Genes: CACNA1C (calcium voltage-gated channel subunit alpha1 C; plus strand), CACNA1C-AS1 (CACNA1C antisense RNA 1; minus strand). Cytogenetic location: 12p13.33.
Variant type: single nucleotide variant.
Coding change: c.5444+669G>A on transcript NM_000719.7 (MANE Select); 669 bases into the intron after coding-DNA position 5444, G replaced by A.
Molecular consequence: intron variant. On other transcripts: synonymous variant (1).
Genome position (GRCh38, 1-based): chr12:2,680,465, G>A. VCF-style: chr12-2680465-G-A. GRCh37 (hg19) VCF-style: chr12-2789631-G-A.
Other names: c.5514G>A, p.Ala1838= (NM_001167625.2); c.5444+669G>A (NM_001167624.3, NM_001167623.2, NM_001129840.2 and 4 more transcripts); c.5588+669G>A (NM_199460.4, NM_001129827.2); c.5504+669G>A (NM_001129832.2); c.5528+669G>A (NM_001129831.2); c.5501+669G>A (NM_001129833.2, NM_001129834.2, NM_001129835.2); c.5567+669G>A (NM_001129829.2); c.5468+669G>A (NM_001129837.2, NM_001129838.2); and 4 more.
Identifiers: ClinVar variation 2642573 (VCV002642573.24), dbSNP rs770353818, ClinGen allele CA6389806.
Genomic context (GRCh38, chr12:2,680,465, plus strand): 5'-CGCCCTGGGCCCCCGCAGGGCTCCTCCCTGTCTGCATCAGCAGCTCCAGGGTTCCCTGGC[G>A]GGGCTGAGAGAGGACACACCCTGCATCGTGCCTGGCCACGCTTCACTGTGCTGCTCTTCC-3'

ClinVar aggregate classification (germline): Likely benign (1 of 4 stars; one submission).

Allele frequency attached by ClinVar (database versions not stated): gnomAD 0.00001; gnomAD exomes 0.00001; TOPMed 0.00004; ExAC 0.00008.
gnomAD v4.1: 12 of 1,564,500 alleles (0.00077%); highest among the groups gnomAD compares: Middle Eastern, 0.017%; no homozygotes.

Submission:

CeGaT Center for Human Genetics Tuebingen
Classification: Likely benign. Last evaluated: 2023-05-01. Review status: criteria provided, single submitter. Criteria: CeGaT Center For Human Genetics Tuebingen Variant Classification Criteria Version 2. Collection method: clinical testing. Allele origin: germline. Affected: yes. Observed: 1 variant allele.
Comment: CACNA1C: BP4, BP7